The following is an entry in ClinVar:

NM_000038.6(APC):c.1600A>G (p.Lys534Glu)

Gene: APC (APC regulator of Wnt signaling pathway; plus strand). Cytogenetic location: 5q22.2.
Variant type: single nucleotide variant.
Coding change: c.1600A>G on transcript NM_000038.6 (MANE Select); coding-DNA position 1600, A replaced by G.
Protein change: p.Lys534Glu; replaces lysine 534 with glutamic acid.
Molecular consequence: missense variant.
Genome position (GRCh38, 1-based): chr5:112,827,980, A>G. VCF-style: chr5-112827980-A-G. GRCh37 (hg19) VCF-style: chr5-112163677-A-G.
Other names: c.1600A>G, p.Lys534Glu (NM_001127510.3, NM_001354895.2); c.1546A>G, p.Lys516Glu (NM_001127511.3); c.1654A>G, p.Lys552Glu (NM_001354896.2); c.1630A>G, p.Lys544Glu (NM_001354897.2); c.1525A>G, p.Lys509Glu (NM_001354898.2); c.1516A>G, p.Lys506Glu (NM_001354899.2); c.1477A>G, p.Lys493Glu (NM_001354900.2); c.1423A>G, p.Lys475Glu (NM_001354901.2); and 5 more; short protein forms K408E, K493E, K251E, K374E, K433E, K475E, K516E, K534E.
Identifiers: ClinVar variation 864559 (VCV000864559.11), dbSNP rs1580569295, ClinGen allele CA16024798.

ClinVar aggregate classification (germline): Uncertain significance (1 of 4 stars; one submission).

Conditions:
Familial adenomatous polyposis 1 (FAP1). Also called: POLYPOSIS, ADENOMATOUS INTESTINAL; FAMILIAL ADENOMATOUS POLYPOSIS 1, ATTENUATED. Identifiers: MedGen C2713442, MONDO:0021056, OMIM 175100. Disease mechanism: loss of function.

Submission:

Labcorp Genetics (formerly Invitae), Labcorp
Classification: Uncertain significance for Familial adenomatous polyposis 1. Last evaluated: 2023-08-22. Review status: criteria provided, single submitter. Criteria: Invitae Variant Classification Sherloc (09022015). Collection method: clinical testing. Allele origin: germline.
Comment: This variant is not present in population databases (gnomAD no frequency). In summary, the available evidence is currently insufficient to determine the role of this variant in disease. Therefore, it has been classified as a Variant of Uncertain Significance. Advanced modeling of protein sequence and biophysical properties (such as structural, functional, and spatial information, amino acid conservation, physicochemical variation, residue mobility, and thermodynamic stability) performed at Invitae indicates that this missense variant is not expected to disrupt APC protein function. ClinVar contains an entry for this variant (Variation ID: 864559). This variant has not been reported in the literature in individuals affected with APC-related conditions. This sequence change replaces lysine, which is basic and polar, with glutamic acid, which is acidic and polar, at codon 534 of the APC protein (p.Lys534Glu).